The following is an entry in ClinVar:

NM_031935.3(HMCN1):c.6196C>G (p.Arg2066Gly)

Gene: HMCN1 (hemicentin 1; plus strand). Cytogenetic location: 1q31.1.
Variant type: single nucleotide variant.
Coding change: c.6196C>G on transcript NM_031935.3 (MANE Select); coding-DNA position 6196, C replaced by G.
Protein change: p.Arg2066Gly; replaces arginine 2066 with glycine.
Molecular consequence: missense variant.
Genome position (GRCh38, 1-based): chr1:186,041,028, C>G. VCF-style: chr1-186041028-C-G. GRCh37 (hg19) VCF-style: chr1-186010160-C-G.
Other names: short protein forms R2066G.
Identifiers: ClinVar variation 4696148 (VCV004696148.1).

ClinVar aggregate classification (germline): Uncertain significance (1 of 4 stars; one submission).

gnomAD v4.1: 1 of 1,612,670 alleles (0.000062%); highest among the groups gnomAD compares: South Asian, 0.0011%; no homozygotes.

Submission:

Labcorp Genetics (formerly Invitae), Labcorp
Classification: Uncertain significance. Last evaluated: 2025-09-17. Review status: criteria provided, single submitter. Criteria: Invitae Variant Classification Sherloc (09022015). Collection method: clinical testing. Allele origin: germline.
Comment: This sequence change replaces arginine, which is basic and polar, with glycine, which is neutral and non-polar, at codon 2066 of the HMCN1 protein (p.Arg2066Gly). This variant is not present in population databases (gnomAD no frequency). This variant has not been reported in the literature in individuals affected with HMCN1-related conditions. An algorithm developed to predict the effect of missense changes on protein structure and function (PolyPhen-2) suggests that this variant is likely to be disruptive. In summary, the available evidence is currently insufficient to determine the role of this variant in disease. Therefore, it has been classified as a Variant of Uncertain Significance.